The following is an entry in ClinVar:

ClinVar aggregate classification (germline): Uncertain significance. Review status: criteria provided, multiple submitters, no conflicts (2 of 4 stars). 2 submissions from 2 submitters: Uncertain significance (2). Last evaluated 2024-10-18.

Conditions:
Epidermolysis bullosa simplex 5B, with muscular dystrophy (EBS5B). Also called: Epidermolysis bullosa simplex with muscular dystrophy; EPIDERMOLYSIS BULLOSA SIMPLEX AND LIMB-GIRDLE MUSCULAR DYSTROPHY. Identifiers: Orphanet 257, MedGen C2931072, MONDO:0009181, OMIM 226670.
Epidermolysis bullosa simplex, Ogna type (EBS5A). Also called: Pidermolysis bullosa simplex 5A, Ogna type; EPIDERMOLYSIS BULLOSA SIMPLEX 5A, OGNA TYPE. Identifiers: Orphanet 79401, MedGen C0432317, MONDO:0007555, OMIM 131950.
Epidermolysis bullosa simplex with nail dystrophy (EBS5D). Identifiers: MedGen C4225309, MONDO:0014661, OMIM 616487.
Autosomal recessive limb-girdle muscular dystrophy type 2Q (LGMDR17). Also called: MUSCULAR DYSTROPHY, LIMB-GIRDLE, AUTOSOMAL RECESSIVE 17. Identifiers: Orphanet 254361, MedGen C3150989, MONDO:0013390, OMIM 613723.
Epidermolysis bullosa simplex 5C, with pyloric atresia (EBS5C). Also called: PLEC-Related Epidermolysis Bullosa with Pyloric Atresia; Epidermolysis bullosa simplex with pyloric atresia; PLEC1-Related Epidermolysis Bullosa with Pyloric Atresia. Identifiers: Orphanet 158684, MedGen C2677349, MONDO:0012807, OMIM 612138.

Allele frequency attached by ClinVar (database versions not stated): ExAC below 0.00001; gnomAD 0.00001; TOPMed 0.00001.
gnomAD v4.1: 18 of 1,581,242 alleles (0.0011%); highest among the groups gnomAD compares: East Asian, 0.0069%; no homozygotes.

Submissions (2):

Labcorp Genetics (formerly Invitae), Labcorp
Classification: Uncertain significance for Autosomal recessive limb-girdle muscular dystrophy type 2Q; Epidermolysis bullosa simplex, Ogna type; Epidermolysis bullosa simplex with nail dystrophy; Epidermolysis bullosa simplex 5C, with pyloric atresia; Epidermolysis bullosa simplex 5B, with muscular dystrophy. Last evaluated: 2024-10-18. Review status: criteria provided, single submitter. Criteria: Invitae Variant Classification Sherloc (09022015). Collection method: clinical testing. Allele origin: germline.
Comment: This sequence change replaces arginine, which is basic and polar, with tryptophan, which is neutral and slightly polar, at codon 1197 of the PLEC protein (p.Arg1197Trp). This variant is present in population databases (rs782194062, gnomAD 0.001%). This variant has not been reported in the literature in individuals affected with PLEC-related conditions. ClinVar contains an entry for this variant (Variation ID: 598030). Invitae Evidence Modeling of protein sequence and biophysical properties (such as structural, functional, and spatial information, amino acid conservation, physicochemical variation, residue mobility, and thermodynamic stability) has been performed for this missense variant. However, the output from this modeling did not meet the statistical confidence thresholds required to predict the impact of this variant on PLEC protein function. In summary, the available evidence is currently insufficient to determine the role of this variant in disease. Therefore, it has been classified as a Variant of Uncertain Significance.

Eurofins Ntd Llc (ga)
Classification: Uncertain significance. Last evaluated: 2018-07-17. Review status: criteria provided, single submitter. Criteria: EGL ClinVar v180209 classification definitions. Collection method: clinical testing. Allele origin: germline. Observed: 1 variant allele, 1 heterozygote.

NM_201384.3(PLEC):c.3508C>T (p.Arg1170Trp)

Gene: PLEC (plectin; minus strand). Cytogenetic location: 8q24.3.
Variant type: single nucleotide variant.
Coding change: c.3508C>T on transcript NM_201384.3 (MANE Select); coding-DNA position 3508, C replaced by T.
Protein change: p.Arg1170Trp; replaces arginine 1170 with tryptophan.
Molecular consequence: missense variant.
Genome position (GRCh38, 1-based): chr8:143,927,658, G>A on the plus strand (C>T on the coding strand, the complement: PLEC is on the minus strand). VCF-style: chr8-143927658-G-A. GRCh37 (hg19) VCF-style: chr8-145001826-G-A.
Other names: c.3589C>T, p.Arg1197Trp (NM_000445.5); c.3466C>T, p.Arg1156Trp (NM_201378.4); c.3442C>T, p.Arg1148Trp (NM_201379.3); c.3919C>T, p.Arg1307Trp (NM_201380.4); c.3412C>T, p.Arg1138Trp (NM_201381.3); c.3508C>T, p.Arg1170Trp (NM_201382.4); c.3520C>T, p.Arg1174Trp (NM_201383.3); short protein forms R1138W, R1170W, R1197W, R1156W, R1174W, R1148W, R1307W.
Identifiers: ClinVar variation 598030 (VCV000598030.7), dbSNP rs782194062, ClinGen allele CA4927037.